The following is an entry in ClinVar:

NM_001348800.3(ZBTB20):c.1795G>T (p.Val599Leu)

Gene: ZBTB20 (zinc finger and BTB domain containing 20; minus strand). Cytogenetic location: 3q13.31.
Variant type: single nucleotide variant.
Coding change: c.1795G>T on transcript NM_001348800.3 (MANE Select); coding-DNA position 1795, G replaced by T.
Protein change: p.Val599Leu; replaces valine 599 with leucine.
Molecular consequence: missense variant.
Genome position (GRCh38, 1-based): chr3:114,350,283, C>A on the plus strand (G>T on the coding strand, the complement: ZBTB20 is on the minus strand). VCF-style: chr3-114350283-C-A. GRCh37 (hg19) VCF-style: chr3-114069130-C-A.
Other names: c.1795G>T, p.Val599Leu (NM_001164342.2, NM_001348803.3, NM_001393393.1 and 1 more transcripts); c.1576G>T, p.Val526Leu (NM_001164343.2, NM_001164344.4, NM_001164345.4 and 9 more transcripts); short protein forms V526L, V599L.
Identifiers: ClinVar variation 1804424 (VCV001804424.2), dbSNP rs1331926530, ClinGen allele CA354005584.

ClinVar aggregate classification (germline): Pathogenic. Review status: criteria provided, single submitter (1 of 4 stars). 2 submissions from 2 submitters: Pathogenic (1). 1 of the submissions does not count toward it. Last evaluated 2022-12-19.

Conditions:
ZBTB20-related disorder. Also called: ZBTB20-related condition.

gnomAD v4.1: 1 of 1,602,656 alleles (0.000062%); highest among the groups gnomAD compares: Non-Finnish European, 0.000085%; no homozygotes.

Submissions (2):

GeneDx
Classification: Pathogenic. Last evaluated: 2022-12-19. Review status: criteria provided, single submitter. Criteria: GeneDx Variant Classification Process June 2021. Collection method: clinical testing. Allele origin: germline. Affected: yes.
Comment: Not observed at significant frequency in large population cohorts (gnomAD); In silico analysis supports that this missense variant does not alter protein structure/function; Has not been previously published as pathogenic or benign to our knowledge

PreventionGenetics, part of Exact Sciences
Classification: Likely pathogenic for ZBTB20-related condition. Last evaluated: 2024-03-23. Review status: no assertion criteria provided. Collection method: clinical testing. Allele origin: germline. Not counted in ClinVar's aggregate classification.
Comment: The ZBTB20 c.1795G>T variant is predicted to result in the amino acid substitution p.Val599Leu. To our knowledge, this variant has not been reported in the literature. It is documented in a single heterozygous individual in the v.4.0.0 version of the gnomAD database, and another missense change at the same amino acid position is also present in two heterozygous individuals (p.Val599Ile). The p.Val599Leu change has been reported as pathogenic in ClinVar by a single laboratory; however, minimal information was given to substantiate this classification. Nearby missense changes up and downstream have been reported in affected individuals in the literature, indicating this is a hotspot of pathogenic variation (Melis et al. 2020. PubMed ID: 32266967; Cordeddu et al. 2014. PubMed ID: 25017102). This variant is classified as likely pathogenic.